The following is an entry in ClinVar:

NM_175053.4(KRT74):c.471+4G>A

Gene: KRT74 (keratin 74; minus strand). Cytogenetic location: 12q13.13.
Variant type: single nucleotide variant.
Coding change: c.471+4G>A on transcript NM_175053.4 (MANE Select); 4 bases into the intron after coding-DNA position 471, G replaced by A.
Molecular consequence: intron variant.
Genome position (GRCh38, 1-based): chr12:52,573,303, C>T on the plus strand (G>A on the coding strand, the complement: KRT74 is on the minus strand). VCF-style: chr12-52573303-C-T. GRCh37 (hg19) VCF-style: chr12-52967087-C-T.
Identifiers: ClinVar variation 1956242 (VCV001956242.5), dbSNP rs1939520852, ClinGen allele CA2575166095.

ClinVar aggregate classification (germline): Uncertain significance (1 of 4 stars; one submission).

gnomAD v4.1: 12 of 1,613,894 alleles (0.00074%); highest among the groups gnomAD compares: Non-Finnish European, 0.001%; no homozygotes.

Submission:

Labcorp Genetics (formerly Invitae), Labcorp
Classification: Uncertain significance. Last evaluated: 2021-12-22. Review status: criteria provided, single submitter. Criteria: Invitae Variant Classification Sherloc (09022015). Collection method: clinical testing. Allele origin: germline.
Comment: In summary, the available evidence is currently insufficient to determine the role of this variant in disease. Therefore, it has been classified as a Variant of Uncertain Significance. Variants that disrupt the consensus splice site are a relatively common cause of aberrant splicing (PMID: 17576681, 9536098). Algorithms developed to predict the effect of sequence changes on RNA splicing suggest that this variant is not likely to affect RNA splicing. This variant has not been reported in the literature in individuals affected with KRT74-related conditions. This variant is not present in population databases (gnomAD no frequency). This sequence change falls in intron 1 of the KRT74 gene. It does not directly change the encoded amino acid sequence of the KRT74 protein. It affects a nucleotide within the consensus splice site.

Literature cited by the submitters: PubMed 17576681; PubMed 9536098.